The following is an entry in ClinVar:

NM_000135.4(FANCA):c.182_184delinsGG (p.Leu61fs)

Gene: FANCA (FA complementation group A; minus strand). Cytogenetic location: 16q24.3.
Variant type: Indel.
Coding change: c.182_184delinsGG on transcript NM_000135.4 (MANE Select); coding-DNA positions 182 to 184, TGC replaced by GG.
Protein change: p.Leu61fs; shifts the reading frame from leucine 61.
Molecular consequence: frameshift variant.
Genome position (GRCh38, 1-based): chr16:89,815,882-89,815,884, GCA replaced by CC on the plus strand (TGC replaced by GG on the coding strand, the reverse complement: FANCA is on the minus strand). VCF-style: chr16-89815882-GCA-CC. GRCh37 (hg19) VCF-style: chr16-89882290-GCA-CC.
Other names: c.182_184delinsGG, p.Leu61fs (NM_001018112.3, NM_001286167.3, NM_001351830.2); short protein forms L61fs.
Identifiers: ClinVar variation 2675422 (VCV002675422.3), dbSNP rs2544389395, ClinGen allele CA2695201192.
Genomic context (GRCh38, chr16:89,815,882, plus strand): 5'-ACTCAAAAACCCCGAACCTAAATCTGCCCGCAGACGGACACCAGCTTCCTCTTACCTCAA[GCA>CC]AAAGGGCATTCAGGTCCTGATGGCTTCGCAGGAGGCGCACAGCTGATTCCTTTAATTTCT-3'

ClinVar aggregate classification (germline): Pathogenic/Likely pathogenic. Review status: criteria provided, multiple submitters, no conflicts (2 of 4 stars). 3 submissions from 3 submitters: Pathogenic (2); Likely pathogenic (1). Last evaluated 2026-08-28.

Conditions:
Fanconi anemia complementation group A (FANCA). Also called: FANCA-Related Fanconi Anemia; Fanconi anemia, group A. Identifiers: Orphanet 84, MedGen C3469521, MONDO:0009215, OMIM 227650.

Submissions (3):

Myriad Genetics, Inc.
Classification: Pathogenic for Fanconi anemia complementation group A. Last evaluated: 2026-08-28. Review status: criteria provided, single submitter. Criteria: Myriad Autosomal Dominant, Autosomal Recessive and X-Linked Classification Criteria (2023). Collection method: clinical testing. Allele origin: unknown.
Comment: NM_000135.2(FANCA):c.182_184delTGCinsGG(L61Wfs*4) is a frameshift variant classified as pathogenic in the context of Fanconi anemia complementation group A. L61Wfs*4 has been observed in a case with relevant disease (PMID: 26228438). Relevant functional assessments of this variant are not available in the literature. L61Wfs*4 has not been observed in referenced population frequency databases. In summary, NM_000135.2(FANCA):c.182_184delTGCinsGG(L61Wfs*4) is a frameshift variant in a gene where loss of function is a known mechanism of disease, is predicted to disrupt protein function, and has been observed more frequently in cases with the relevant disease than in healthy populations. Please note: this variant was assessed in the context of healthy population screening.

Fulgent Genetics
Classification: Likely pathogenic for Fanconi anemia complementation group A. Last evaluated: 2024-05-17. Review status: criteria provided, single submitter. Criteria: ACMG Guidelines, 2015. Collection method: clinical testing. Allele origin: germline.

Baylor Genetics
Classification: Pathogenic for Fanconi anemia complementation group A. Last evaluated: 2023-07-23. Review status: criteria provided, single submitter. Criteria: ACMG Guidelines, 2015. Collection method: clinical testing. Allele origin: unknown.

Literature cited by the submitters: PubMed 26228438 (cited by Myriad Genetics, Inc.).